The following is an entry in ClinVar:

ClinVar aggregate classification (germline): Uncertain significance (1 of 4 stars; one submission).

Allele frequency attached by ClinVar (database versions not stated): ExAC 0.00001; gnomAD 0.00001; gnomAD exomes 0.00001.
gnomAD v4.1: 11 of 1,606,930 alleles (0.00068%); highest among the groups gnomAD compares: East Asian, 0.0045%; no homozygotes.

Submission:

Labcorp Genetics (formerly Invitae), Labcorp
Classification: Uncertain significance. Last evaluated: 2025-06-08. Review status: criteria provided, single submitter. Criteria: Invitae Variant Classification Sherloc (09022015). Collection method: clinical testing. Allele origin: germline.
Comment: This sequence change replaces serine, which is neutral and polar, with leucine, which is neutral and non-polar, at codon 1498 of the CLTC protein (p.Ser1498Leu). This variant is present in population databases (rs778146159, gnomAD 0.006%). This variant has not been reported in the literature in individuals affected with CLTC-related conditions. ClinVar contains an entry for this variant (Variation ID: 2054761). Invitae Evidence Modeling of protein sequence and biophysical properties (such as structural, functional, and spatial information, amino acid conservation, physicochemical variation, residue mobility, and thermodynamic stability) indicates that this missense variant is not expected to disrupt CLTC protein function with a negative predictive value of 80%. In summary, the available evidence is currently insufficient to determine the role of this variant in disease. Therefore, it has been classified as a Variant of Uncertain Significance.

NM_004859.4(CLTC):c.4481C>T (p.Ser1494Leu)

Genes: CLTC (clathrin heavy chain; plus strand), LOC125177523 (Sharpr-MPRA regulatory region 12460; plus strand). Cytogenetic location: 17q23.1.
Variant type: single nucleotide variant.
Coding change: c.4481C>T on transcript NM_004859.4 (MANE Select); coding-DNA position 4481, C replaced by T.
Protein change: p.Ser1494Leu; replaces serine 1494 with leucine.
Molecular consequence: missense variant.
Genome position (GRCh38, 1-based): chr17:59,685,102, C>T. VCF-style: chr17-59685102-C-T. GRCh37 (hg19) VCF-style: chr17-57762463-C-T.
Other names: c.4493C>T, p.Ser1498Leu (NM_001288653.2); short protein forms S1494L, S1498L.
Identifiers: ClinVar variation 2054761 (VCV002054761.4), dbSNP rs778146159, ClinGen allele CA8681750.